The following is an entry in ClinVar:

ClinVar aggregate classification (germline): Uncertain significance (1 of 4 stars; one submission).

Conditions:
Leigh syndrome (NULS). Also called: Leigh's necrotizing encephalopathy; Leigh's disease; Leigh Syndrome (mtDNA deletion); Leigh Disease; Subacute necrotizing encephalopathy; Necrotizing encephalopathy infantile subacute of Leigh. Identifiers: Orphanet 506, MedGen C2931891, MONDO:0009723, OMIM 256000.

Submission:

Wong Mito Lab, Molecular and Human Genetics, Baylor College of Medicine
Classification: Uncertain significance for Leigh syndrome. Last evaluated: 2019-10-17. Review status: criteria provided, single submitter. Criteria: Modified ACMG Guidelines (Unpublished). Collection method: clinical testing. Allele origin: germline.
Comment: The NC_012920.1:m.12941C>T (YP_003024036.1:p.Ala202Val) variant in MTND5 gene is interpretated to be a Uncertain Significance variant based on the modified ACMG guidelines (unpublished). This variant meets the following evidence codes: BP4

NC_012920.1(MT-ND5):m.12941C>T

Gene: MT-ND5 (mitochondrially encoded NADH dehydrogenase 5; plus strand).
Variant type: single nucleotide variant.
Genome position: chrM-12941-C-T.
Identifiers: ClinVar variation 693503 (VCV000693503.1), dbSNP rs1603223974, ClinGen allele CA414815607.